The following is an entry in ClinVar:

ClinVar aggregate classification (germline): Pathogenic/Likely pathogenic. Review status: criteria provided, multiple submitters, no conflicts (2 of 4 stars). 2 submissions from 2 submitters: Pathogenic (1); Likely pathogenic (1). Last evaluated 2025-05-05.

Conditions:
VPS13A-related neurodegenerative disease. Also called: LEVINE-CRITCHLEY SYNDROME; Choreoacanthocytosis; Chorea-acanthocytosis; ACANTHOCYTOSIS WITH NEUROLOGIC DISORDER; VPS13A Disease; Choreaacanthocytosis. Identifiers: Orphanet 2388, MedGen C0393576, MONDO:0008695, OMIM 200150.

Submissions (2):

Natera, Inc.
Classification: Likely pathogenic for Choreaacanthocytosis. Last evaluated: 2025-05-05. Review status: criteria provided, single submitter. Criteria: Natera Variant Classification Schema (03/2026). Collection method: clinical testing. Allele origin: germline.
Comment: The c.9351_9391dup variant in VPS13A is a frameshift variant predicted to shift the reading frame beginning at codon 3131 and leads to a stop codon 20 codons downstream. This variant is expected to result in nonsense mediated decay, truncation, or a dysfunctional protein product. This variant is rare in the general population with a frequency below the threshold expected for the associated phenotype(s). Given the available evidence, this variant is classified as Likely Pathogenic.

Women's Health and Genetics/Laboratory Corporation of America, LabCorp
Classification: Pathogenic for VPS13A-related neurodegenerative disease. Last evaluated: 2025-04-09. Review status: criteria provided, single submitter. Criteria: LabCorp Variant Classification Summary - May 2015. Collection method: clinical testing. Allele origin: germline.
Comment: Variant summary: VPS13A c.9351_9391dup41 (p.Glu3131AlafsX20) results in a premature termination codon, predicted to cause a truncation of the encoded protein or absence of the protein due to nonsense mediated decay, which are commonly known mechanisms for disease. The variant allele was found at a frequency of 2.8e-05 in 251380 control chromosomes. To our knowledge, no occurrence of c.9351_9391dup41 in individuals affected with Choreoacanthocytosis and no experimental evidence demonstrating its impact on protein function have been reported. No submitters have cited clinical-significance assessments for this variant to ClinVar. Based on the evidence outlined above, the variant was classified as pathogenic.

NM_033305.3(VPS13A):c.9351_9391dup (p.Glu3131fs)

Gene: VPS13A (vacuolar protein sorting 13 homolog A; plus strand). Cytogenetic location: 9q21.2.
Variant type: Duplication.
Coding change: c.9351_9391dup on transcript NM_033305.3 (MANE Select); coding-DNA positions 9351 to 9391, 41 bases duplicated.
Protein change: p.Glu3131fs; shifts the reading frame from glutamic acid 3131.
Molecular consequence: frameshift variant.
Genome position (GRCh38, 1-based): chr9:77,405,939-77,405,979, 41 bases duplicated. GRCh37 (hg19): chr9:80,020,855-80,020,895.
Other names: c.9234_9274dup, p.Glu3092fs (NM_001018037.2); c.9351_9391dup41 (NM_033305.3); c.9351_9391dup (NM_033305.2); short protein forms E3092fs, E3131fs.
Identifiers: ClinVar variation 3896379 (VCV003896379.4).